The following is an entry in ClinVar:

NM_015141.4(GPD1L):c.987G>T (p.Gln329His)

Gene: GPD1L (glycerol-3-phosphate dehydrogenase 1 like; plus strand). Cytogenetic location: 3p22.3.
Variant type: single nucleotide variant.
Coding change: c.987G>T on transcript NM_015141.4 (MANE Select); coding-DNA position 987, G replaced by T.
Protein change: p.Gln329His; replaces glutamine 329 with histidine.
Molecular consequence: missense variant.
Genome position (GRCh38, 1-based): chr3:32,165,841, G>T. VCF-style: chr3-32165841-G-T. GRCh37 (hg19) VCF-style: chr3-32207333-G-T.
Other names: short protein forms Q329H.
Identifiers: ClinVar variation 518683 (VCV000518683.9), dbSNP rs767661465, ClinGen allele CA2296814.
Genomic context (GRCh38, chr3:32,165,841, plus strand): 5'-TAACTTTGTCTTTTCACATTTCCTCCCAACTAGGTTTCCATTGTTTACTGCAGTGTATCA[G>T]ATCTGCTACGAAAGCAGACCAGTTCAAGAGATGTTGTCTTGTCTTCAGAGCCATCCAGAG-3'
Protein context (NP_055956.1, residues 319-339): DKFPLFTAVY[Gln329His]ICYESRPVQE

ClinVar aggregate classification (germline): Uncertain significance. Review status: criteria provided, multiple submitters, no conflicts (2 of 4 stars). 2 submissions from 2 submitters: Uncertain significance (2). Last evaluated 2025-09-27.

Conditions:
Cardiovascular phenotype. Identifiers: MedGen CN230736.
Brugada syndrome. Also called: Sudden Unexplained Death Syndrome; Sudden Unexplained Nocturnal Death Syndrome (SUNDS); Sudden unexplained nocturnal death syndrome; Sudden unexpected nocturnal death syndrome. Identifiers: Orphanet 130, MedGen C1142166, MONDO:0015263.

Allele frequency attached by ClinVar (database versions not stated): gnomAD exomes below 0.00001; ExAC 0.00001; gnomAD 0.00001; TOPMed 0.00001.
gnomAD v4.1: 5 of 1,606,888 alleles (0.00031%); highest among the groups gnomAD compares: Non-Finnish European, 0.00043%; no homozygotes.

Submissions (2):

Ambry Genetics
Classification: Uncertain significance for Cardiovascular phenotype. Last evaluated: 2025-09-27. Review status: criteria provided, single submitter. Criteria: Ambry Variant Classification Scheme 2023. Collection method: clinical testing. Allele origin: germline.

Labcorp Genetics (formerly Invitae), Labcorp
Classification: Uncertain significance for Brugada syndrome. Last evaluated: 2025-02-02. Review status: criteria provided, single submitter. Criteria: Invitae Variant Classification Sherloc (09022015). Collection method: clinical testing. Allele origin: germline.
Comment: This sequence change replaces glutamine, which is neutral and polar, with histidine, which is basic and polar, at codon 329 of the GPD1L protein (p.Gln329His). This variant is present in population databases (rs767661465, gnomAD 0.0009%). This variant has not been reported in the literature in individuals affected with GPD1L-related conditions. ClinVar contains an entry for this variant (Variation ID: 518683). Invitae Evidence Modeling of protein sequence and biophysical properties (such as structural, functional, and spatial information, amino acid conservation, physicochemical variation, residue mobility, and thermodynamic stability) indicates that this missense variant is not expected to disrupt GPD1L protein function with a negative predictive value of 80%. In summary, the available evidence is currently insufficient to determine the role of this variant in disease. Therefore, it has been classified as a Variant of Uncertain Significance.